The following is an entry in ClinVar:

ClinVar aggregate classification (germline): Uncertain significance (1 of 4 stars; one submission).

Submission:

CeGaT Center for Human Genetics Tuebingen
Classification: Uncertain significance. Last evaluated: 2022-11-01. Review status: criteria provided, single submitter. Criteria: CeGaT Center For Human Genetics Tuebingen Variant Classification Criteria Version 2. Collection method: clinical testing. Allele origin: germline. Affected: yes. Observed: 1 variant allele.
Comment: SF3A1: PM2, PP2

NM_005877.6(SF3A1):c.226A>T (p.Ile76Phe)

Gene: SF3A1 (splicing factor 3a subunit 1; minus strand). Cytogenetic location: 22q12.2.
Variant type: single nucleotide variant.
Coding change: c.226A>T on transcript NM_005877.6 (MANE Select); coding-DNA position 226, A replaced by T.
Protein change: p.Ile76Phe; replaces isoleucine 76 with phenylalanine.
Molecular consequence: missense variant.
Genome position (GRCh38, 1-based): chr22:30,346,479, T>A on the plus strand (A>T on the coding strand, the complement: SF3A1 is on the minus strand). VCF-style: chr22-30346479-T-A. GRCh37 (hg19) VCF-style: chr22-30742468-T-A.
Other names: short protein forms I76F.
Identifiers: ClinVar variation 2653056 (VCV002653056.24), dbSNP rs141721771, ClinGen allele CA411176505.